The following is an entry in ClinVar:

NM_000169.3(GLA):c.627G>T (p.Trp209Cys)

Genes: GLA (galactosidase alpha; minus strand), RPL36A-HNRNPH2 (RPL36A-HNRNPH2 readthrough; plus strand). Cytogenetic location: Xq22.1.
Variant type: single nucleotide variant.
Coding change: c.627G>T on transcript NM_000169.3 (MANE Select); coding-DNA position 627, G replaced by T.
Protein change: p.Trp209Cys; replaces tryptophan 209 with cysteine.
Molecular consequence: missense variant. On other transcripts: non-coding transcript variant (2), intron variant (2).
Genome position (GRCh38, 1-based): chrX:101,400,678, C>A on the plus strand (G>T on the coding strand, the complement: GLA is on the minus strand). VCF-style: chrX-101400678-C-A. GRCh37 (hg19) VCF-style: chrX-100655666-C-A.
Other names: NC_000023.10:g.100655666C>A; c.750G>T, p.Trp250Cys (NM_001406747.1); c.627G>T, p.Trp209Cys (NM_001406748.1); c.300+5221C>A (NM_001199973.2); c.177+8856C>A (NM_001199974.2); short protein forms W209C, W250C.
Identifiers: ClinVar variation 4087441 (VCV004087441.3).
Genomic context (GRCh38, chrX:101,400,678, plus strand): 5'-TTCTATCTATCAGTACAGTTCTATTGGATTCTGGGCTCACTATCTCACCTTTTGAAAGGG[C>A]CACATATAAAGAGGCCACTCACAGGAGTACACAATGCTTCTGCCAGTCCTATTCAGGGCC-3'
Protein context (NP_000160.1, residues 199-219): VYSCEWPLYM[Trp209Cys]PFQKPNYTEI

ClinVar aggregate classification (germline): Uncertain significance (1 of 4 stars; one submission).

Conditions:
Fabry disease. Also called: ALPHA-GALACTOSIDASE A DEFICIENCY; ANDERSON-FABRY DISEASE; CERAMIDE TRIHEXOSIDASE DEFICIENCY; GLA DEFICIENCY; HEREDITARY DYSTOPIC LIPIDOSIS; Angiokeratoma corporis diffusum. Identifiers: Orphanet 324, MedGen C0002986, MONDO:0010526, OMIM 301500, HP:0001071. Disease mechanism: Fabry disease is due to inactivating mutations in the X-linked GLA gene resulting in deficiency of the enzyme Alpha Galactosidase-A., loss of function.

Submissions (2):

Genomenon, Inc
Classification: Uncertain significance for Fabry disease. Last evaluated: 2026-09-08. Review status: criteria provided, single submitter. Criteria: Genomenon Sequence Variant Interpretation Standards - Updated. Collection method: curation. Allele origin: germline. Affected: yes.
Comment: GLA p.Trp209Cys (c.627G>T) is a missense variant that changes the amino acid at codon 209 from Tryptophan to Cysteine. This variant has been observed in at least one proband with clinical features consistent with Fabry disease (PMID:33204599). Functional or patient cell studies have been reported (PMID:31613176;33204599). It is absent or not present at a significant frequency in gnomAD. In conclusion, we classify GLA p.Trp209Cys (c.627G>T) as a variant of uncertain significance.

Dr. Peter K. Rogan Lab, Western University
No classification provided (evidence only). Condition: Nonpapillary renal cell carcinoma. Review status: no classification provided. Collection method: in vitro. Allele origin: not applicable. Functional consequence: skipped exon. Not counted in ClinVar's aggregate classification.

Literature cited by the submitters: PubMed 33204599 (cited by Genomenon, Inc); PubMed 31613176 (cited by Genomenon, Inc).